The following is an entry in ClinVar:

NM_006904.7(PRKDC):c.1279G>A (p.Val427Ile)

Gene: PRKDC (protein kinase, DNA-activated, catalytic subunit; minus strand). Cytogenetic location: 8q11.21.
Variant type: single nucleotide variant.
Coding change: c.1279G>A on transcript NM_006904.7 (MANE Select); coding-DNA position 1279, G replaced by A.
Protein change: p.Val427Ile; replaces valine 427 with isoleucine.
Molecular consequence: missense variant.
Genome position (GRCh38, 1-based): chr8:47,935,900, C>T on the plus strand (G>A on the coding strand, the complement: PRKDC is on the minus strand). VCF-style: chr8-47935900-C-T. GRCh37 (hg19) VCF-style: chr8-48848460-C-T.
Other names: c.1279G>A, p.Val427Ile (NM_001081640.2); short protein forms V427I.
Identifiers: ClinVar variation 1767377 (VCV001767377.2), dbSNP rs2551879577, ClinGen allele CA371166023.

ClinVar aggregate classification (germline): Uncertain significance (1 of 4 stars; one submission).

Allele frequency attached by ClinVar (database versions not stated): gnomAD exomes below 0.00001.
gnomAD v4.1: 1 of 1,611,124 alleles (0.000062%); highest among the groups gnomAD compares: Non-Finnish European, 0.000085%; no homozygotes.

Submission:

Ambry Genetics
Classification: Uncertain significance. Last evaluated: 2021-12-13. Review status: criteria provided, single submitter. Criteria: Ambry Variant Classification Scheme 2023. Collection method: clinical testing. Allele origin: germline.
Comment: The p.V427I variant (also known as c.1279G>A) is located in coding exon 13 of the PRKDC gene. The valine at codon 427 is replaced by isoleucine, an amino acid with highly similar properties. This change occurs in the first base pair of coding exon 13. This amino acid position is conserved. In addition, this alteration is predicted to be tolerated by in silico analysis. Since supporting evidence is limited at this time, the clinical significance of this alteration remains unclear.